The following is an entry in ClinVar:

ClinVar aggregate classification (germline): Uncertain significance (1 of 4 stars; one submission).

Conditions:
Inborn genetic diseases. Identifiers: MedGen C0950123, MeSH D030342.

Submission:

Ambry Genetics
Classification: Uncertain significance for Inborn genetic diseases. Last evaluated: 2024-11-26. Review status: criteria provided, single submitter. Criteria: Ambry Variant Classification Scheme 2023. Collection method: clinical testing. Allele origin: germline.
Comment: The p.T636R variant (also known as c.1907C>G), located in coding exon 22 of the RTEL1 gene, results from a C to G substitution at nucleotide position 1907. The threonine at codon 636 is replaced by arginine, an amino acid with similar properties. This amino acid position is conserved. In addition, this alteration is predicted to be tolerated by in silico analysis. Based on the available evidence, the clinical significance of this variant remains unclear.

NM_001283009.2(RTEL1):c.1907C>G (p.Thr636Arg)

Genes: RTEL1 (regulator of telomere elongation helicase 1; plus strand), RTEL1-TNFRSF6B (RTEL1-TNFRSF6B readthrough (NMD candidate); plus strand). Cytogenetic location: 20q13.33.
Variant type: single nucleotide variant.
Coding change: c.1907C>G on transcript NM_001283009.2 (MANE Select); coding-DNA position 1907, C replaced by G.
Protein change: p.Thr636Arg; replaces threonine 636 with arginine.
Molecular consequence: missense variant. On other transcripts: non-coding transcript variant (1).
Genome position (GRCh38, 1-based): chr20:63,689,530, C>G. VCF-style: chr20-63689530-C-G. GRCh37 (hg19) VCF-style: chr20-62320883-C-G.
Other names: c.1238C>G, p.Thr413Arg (NM_001283010.1); c.1907C>G, p.Thr636Arg (NM_016434.4); c.1979C>G, p.Thr660Arg (NM_032957.5); short protein forms T660R, T413R, T636R.
Identifiers: ClinVar variation 3435983 (VCV003435983.1).
Genomic context (GRCh38, chr20:63,689,530, plus strand): 5'-GGCCCCAGGCAGCTCCCTGGTGTGTCCCCTAGGCCAGCGAGGGGCTGGACTTCTCAGACA[C>G]GAATGGCCGTGGTGTGATTGTCACGGGCCTCCCGTACCCCCCACGCATGGACCCCCGGGT-3'
Protein context (NP_001269938.1, residues 626-646): KASEGLDFSD[Thr636Arg]NGRGVIVTGL